The following is an entry in ClinVar:

NM_177559.3(CSNK2A1):c.589T>G (p.Phe197Val)

Gene: CSNK2A1 (casein kinase 2 alpha 1; minus strand). Cytogenetic location: 20p13.
Variant type: single nucleotide variant.
Coding change: c.589T>G on transcript NM_177559.3 (MANE Select); coding-DNA position 589, T replaced by G.
Protein change: p.Phe197Val; replaces phenylalanine 197 with valine.
Molecular consequence: missense variant.
Genome position (GRCh38, 1-based): chr20:492,286, A>C on the plus strand (T>G on the coding strand, the complement: CSNK2A1 is on the minus strand). VCF-style: chr20-492286-A-C. GRCh37 (hg19) VCF-style: chr20-472930-A-C.
Other names: c.589T>G, p.Phe197Val (NM_001362770.2, NM_001362771.2, NM_001895.4); c.181T>G, p.Phe61Val (NM_177560.3); short protein forms F197V, F61V.
Identifiers: ClinVar variation 3899537 (VCV003899537.1).

ClinVar aggregate classification (germline): Pathogenic (1 of 4 stars; one submission).

Submission:

GeneDx
Classification: Pathogenic. Last evaluated: 2024-11-18. Review status: criteria provided, single submitter. Criteria: GeneDx Variant Classification Process June 2021. Collection method: clinical testing. Allele origin: germline. Affected: yes.
Comment: Not observed at significant frequency in large population cohorts (gnomAD); In silico analysis supports that this missense variant has a deleterious effect on protein structure/function; Has not been previously published as pathogenic or benign to our knowledge